The following is an entry in ClinVar:

NM_001267550.2(TTN):c.105757G>A (p.Val35253Met)

Genes: TTN (titin; minus strand), TTN-AS1 (TTN antisense RNA 1; plus strand), LOC129935183 (ATAC-STARR-seq lymphoblastoid active region 16808; plus strand). Cytogenetic location: 2q31.2.
Variant type: single nucleotide variant.
Coding change: c.105757G>A on transcript NM_001267550.2 (MANE Select); coding-DNA position 105757, G replaced by A.
Protein change: p.Val35253Met; replaces valine 35253 with methionine.
Molecular consequence: missense variant.
Genome position (GRCh38, 1-based): chr2:178,530,858, C>T on the plus strand (G>A on the coding strand, the complement: TTN is on the minus strand). VCF-style: chr2-178530858-C-T. GRCh37 (hg19) VCF-style: chr2-179395585-C-T.
Other names: p.Val33612Met; c.100834G>A, p.Val33612Met (NM_001256850.1); c.78562G>A, p.Val26188Met (NM_003319.4); c.98053G>A, p.Val32685Met (NM_133378.4); c.78937G>A, p.Val26313Met (NM_133432.3); c.79138G>A, p.Val26380Met (NM_133437.4); short protein forms V35253M, V32685M, V33612M, V26188M, V26380M, V26313M.
Identifiers: ClinVar variation 286984 (VCV000286984.64), dbSNP rs373655492, ClinGen allele CA1985216.

ClinVar aggregate classification (germline): Conflicting classifications of pathogenicity. Review status: criteria provided, conflicting classifications (1 of 4 stars). 15 submissions from 11 submitters: Uncertain significance (11); Likely benign (4). Last evaluated 2026-06-15.

Conditions:
TTN-related disorder. Also called: TTN-related disorders; TTN-related condition; TTN-related disease.
Cardiovascular phenotype. Identifiers: MedGen CN230736.
Autosomal recessive limb-girdle muscular dystrophy type 2J (LGMDR10). Also called: MUSCULAR DYSTROPHY, LIMB-GIRDLE, AUTOSOMAL RECESSIVE 10; Limb-girdle muscular dystrophy, type 2J. Identifiers: Orphanet 140922, MedGen C1837342, MONDO:0012127, OMIM 608807.
Dilated cardiomyopathy 1G (CMD1G). Identifiers: Orphanet 154, MedGen C1858763, MONDO:0011400, OMIM 604145.
Tibial muscular dystrophy (TMD). Also called: UDD MYOPATHY; Tibial muscular dystrophy, tardive; Udd Distal Myopathy – Tibial Muscular Dystrophy. Identifiers: Orphanet 609, MedGen C1838244, MONDO:0010870, OMIM 600334.
Early-onset myopathy with fatal cardiomyopathy (CMYO5). Also called: Salih Myopathy; CONGENITAL MYOPATHY 5 WITH CARDIOMYOPATHY. Identifiers: Orphanet 289377, MedGen C2673677, MONDO:0012714, OMIM 611705. Disease mechanism: loss of function.
Myopathy, myofibrillar, 9, with early respiratory failure (MFM9). Also called: Myopathy, distal, with early respiratory failure, autosomal dominant; Hereditary myopathy with early respiratory failure; EDSTROM MYOPATHY; MYOPATHY, PROXIMAL, WITH EARLY RESPIRATORY MUSCLE INVOLVEMENT. Identifiers: Orphanet 178464, Orphanet 34521, MedGen C1863599, MONDO:0011362, OMIM 603689.

Allele frequency attached by ClinVar (database versions not stated): ExAC 0.00006; gnomAD exomes 0.00006 and 0.00019; ESP Exome Variant Server 0.00008; gnomAD 0.00008 and 0.00009; TOPMed 0.00008.
gnomAD v4.1: 298 of 1,613,542 alleles (0.018%); highest among the groups gnomAD compares: Non-Finnish European, 0.024%; 1 homozygote.

Submissions (15):

PreventionGenetics, part of Exact Sciences
Classification: Uncertain significance for TTN-related condition. Last evaluated: 2026-06-15. Review status: criteria provided, single submitter. Criteria: ACMG Guidelines, 2015. Collection method: clinical testing. Allele origin: germline.
Comment: The TTN c.105757G>A variant is predicted to result in the amino acid substitution p.Val35253Met. This variant has been reported in an individual presenting with dilated cardiomyopathy (Table S3, Mazzarotto et al. 2020. PubMed ID: 31983221). This variant is reported in 0.011% of alleles in individuals of European (Non-Finnish) descent in gnomAD. Although we suspect that this variant may be benign, at this time, the clinical significance of this variant is uncertain due to the absence of conclusive functional and genetic evidence.

Women's Health and Genetics/Laboratory Corporation of America, LabCorp
Classification: Uncertain significance. Last evaluated: 2026-06-15. Review status: criteria provided, single submitter. Criteria: LabCorp Variant Classification Summary - May 2015. Collection method: clinical testing. Allele origin: germline.
Comment: Variant summary: TTN c.98053G>A (p.Val32685Met) results in a conservative amino acid change in the encoded protein sequence. Algorithms developed to predict the effect of missense changes on protein structure and function are either unavailable or do not agree on the potential impact of this missense change. The variant allele was found at a frequency of 6e-05 in 248910 control chromosomes. This frequency is not significantly higher than estimated for disease-causing variants in TTN, allowing no conclusion about variant significance. c.98053G>A has been observed in an individual affected with Dilated Cardiomyopathy (Mazzarotto_2020). This report does not provide unequivocal conclusions about association of the variant with disease. To our knowledge, no experimental evidence demonstrating an impact on protein function has been reported. The following publications have been ascertained in the context of this evaluation (PMID: 31983221, 30531895). ClinVar contains an entry for this variant (Variation ID: 286984). Based on the evidence outlined above, the variant was classified as uncertain significance.

Labcorp Genetics (formerly Invitae), Labcorp
Classification: Uncertain significance for Dilated cardiomyopathy 1G; Autosomal recessive limb-girdle muscular dystrophy type 2J. Last evaluated: 2026-02-02. Review status: criteria provided, single submitter. Criteria: Invitae Variant Classification Sherloc (09022015). Collection method: clinical testing. Allele origin: germline.
Comment: This sequence change replaces valine, which is neutral and non-polar, with methionine, which is neutral and non-polar, at codon 35253 of the TTN protein (p.Val35253Met). This variant is present in population databases (rs373655492, gnomAD 0.008%). This missense change has been observed in individual(s) with dilated cardiomyopathy (PMID: 31983221). ClinVar contains an entry for this variant (Variation ID: 286984). Experimental studies and prediction algorithms are not available or were not evaluated, and the functional significance of this variant is currently unknown. This variant is located in the M band of TTN (PMID: 25589632). Non-truncating variants in this region may be relevant for neuromuscular disorders, but have not been definitively shown to cause cardiomyopathy (PMID: 23975875). In summary, the available evidence is currently insufficient to determine the role of this variant in disease. Therefore, it has been classified as a Variant of Uncertain Significance.

Blueprint Genetics
Classification: Likely benign. Last evaluated: 2024-11-22. Review status: criteria provided, single submitter. Criteria: ACMG Guidelines, 2015. Collection method: clinical testing. Allele origin: germline.

Revvity Omics, Revvity
Classification: Uncertain significance. Last evaluated: 2023-10-17. Review status: criteria provided, single submitter. Criteria: ACMG Guidelines, 2015. Collection method: clinical testing. Allele origin: germline.

Mayo Clinic Laboratories, Mayo Clinic
Classification: Uncertain significance. Last evaluated: 2021-08-24. Review status: criteria provided, single submitter. Criteria: ACMG Guidelines, 2015. Collection method: clinical testing. Allele origin: germline.

CeGaT Center for Human Genetics Tuebingen
Classification: Uncertain significance. Last evaluated: 2020-08-01. Review status: criteria provided, single submitter. Criteria: CeGaT Center For Human Genetics Tuebingen Variant Classification Criteria Version 2. Collection method: clinical testing. Allele origin: germline. Affected: yes. Observed: 1 variant allele.

Ambry Genetics
Classification: Uncertain significance for Cardiovascular phenotype. Last evaluated: 2019-12-09. Review status: criteria provided, single submitter. Criteria: Ambry Variant Classification Scheme 2023. Collection method: clinical testing. Allele origin: germline.
Comment: The p.V26188M variant (also known as c.78562G>A), located in coding exon 185 of the TTN gene, results from a G to A substitution at nucleotide position 78562. The valine at codon 26188 is replaced by methionine, an amino acid with highly similar properties. This amino acid position is well conserved in available vertebrate species. In addition, this alteration is predicted to be tolerated by in silico analysis. Since supporting evidence is limited at this time, the clinical significance of this alteration remains unclear.

GeneDx
Classification: Likely benign. Last evaluated: 2019-04-02. Review status: criteria provided, single submitter. Criteria: GeneDx Variant Classification Process June 2021. Collection method: clinical testing. Allele origin: germline. Affected: yes.
Comment: This variant is associated with the following publications: (PMID: 31983221)

Illumina Laboratory Services, Illumina
Classification: Likely benign for Myopathy, myofibrillar, 9, with early respiratory failure. Last evaluated: 2018-01-13. Review status: criteria provided, single submitter. Criteria: ICSL Variant Classification Criteria 13 December 2019. Collection method: clinical testing. Allele origin: germline.
Comment: This variant was observed in the ICSL laboratory as part of a predisposition screen in an ostensibly healthy population. It had not been previously curated by ICSL or reported in the Human Gene Mutation Database (HGMD: prior to June 1st, 2018), and was therefore a candidate for classification through an automated scoring system. Utilizing variant allele frequency, disease prevalence and penetrance estimates, and inheritance mode, an automated score was calculated to assess if this variant is too frequent to cause the disease. Based on the score and internal cut-off values, a variant classified as likely benign is not then subjected to further curation. The score for this variant resulted in a classification of likely benign for this disease.

Illumina Laboratory Services, Illumina
Classification: Uncertain significance for Autosomal recessive limb-girdle muscular dystrophy type 2J. Last evaluated: 2018-01-13. Review status: criteria provided, single submitter. Criteria: ICSL Variant Classification Criteria 13 December 2019. Collection method: clinical testing. Allele origin: germline.

Illumina Laboratory Services, Illumina
Classification: Uncertain significance for Early-onset myopathy with fatal cardiomyopathy. Last evaluated: 2018-01-13. Review status: criteria provided, single submitter. Criteria: ICSL Variant Classification Criteria 13 December 2019. Collection method: clinical testing. Allele origin: germline.

Illumina Laboratory Services, Illumina
Classification: Likely benign for Tibial muscular dystrophy. Last evaluated: 2018-01-13. Review status: criteria provided, single submitter. Criteria: ICSL Variant Classification Criteria 13 December 2019. Collection method: clinical testing. Allele origin: germline.
Comment: the same text as in the submission from Illumina Laboratory Services, Illumina above.

Illumina Laboratory Services, Illumina
Classification: Uncertain significance for Dilated cardiomyopathy 1G. Last evaluated: 2018-01-13. Review status: criteria provided, single submitter. Criteria: ICSL Variant Classification Criteria 13 December 2019. Collection method: clinical testing. Allele origin: germline.

Eurofins Ntd Llc (ga)
Classification: Uncertain significance. Last evaluated: 2016-04-06. Review status: criteria provided, single submitter. Criteria: EGL Classification Definitions 2015. Collection method: clinical testing. Allele origin: germline. Observed: 1 variant allele, 1 heterozygote.

Literature cited by the submitters: PubMed 31983221 (cited by Women's Health and Genetics/Laboratory Corporation of America, LabCorp and Labcorp Genetics (formerly Invitae), Labcorp); PubMed 30531895 (cited by Women's Health and Genetics/Laboratory Corporation of America, LabCorp); PubMed 25589632 (cited by Labcorp Genetics (formerly Invitae), Labcorp); PubMed 23975875 (cited by Labcorp Genetics (formerly Invitae), Labcorp).